The following is an entry in ClinVar:

ClinVar aggregate classification (germline): Benign/Likely benign. Review status: criteria provided, multiple submitters, no conflicts (2 of 4 stars). 3 submissions from 3 submitters: Benign (1); Likely benign (2). Last evaluated 2026-01-26.

Conditions:
Nemaline myopathy 6 (NEM6). Also called: Nemaline myopathy 6, autosomal dominant. Identifiers: Orphanet 171439, MedGen C1836472, MONDO:0012237, OMIM 609273.

Allele frequency attached by ClinVar (database versions not stated): 1000 Genomes Project 0.00040; TOPMed 0.00076; 1000 Genomes Project 30x 0.00078.

Submissions (3):

Labcorp Genetics (formerly Invitae), Labcorp
Classification: Likely benign for Nemaline myopathy 6. Last evaluated: 2026-01-26. Review status: criteria provided, single submitter. Criteria: Invitae Variant Classification Sherloc (09022015). Collection method: clinical testing. Allele origin: germline.

Blueprint Genetics
Classification: Likely benign. Last evaluated: 2024-10-07. Review status: criteria provided, single submitter. Criteria: ACMG Guidelines, 2015. Collection method: clinical testing. Allele origin: germline.

Illumina Laboratory Services, Illumina
Classification: Benign for Nemaline myopathy 6. Last evaluated: 2018-01-13. Review status: criteria provided, single submitter. Criteria: ICSL Variant Classification Criteria 13 December 2019. Collection method: clinical testing. Allele origin: germline.
Comment: This variant was observed in the ICSL laboratory as part of a predisposition screen in an ostensibly healthy population. It had not been previously curated by ICSL or reported in the Human Gene Mutation Database (HGMD: prior to June 1st, 2018), and was therefore a candidate for classification through an automated scoring system. Utilizing variant allele frequency, disease prevalence and penetrance estimates, and inheritance mode, an automated score was calculated to assess if this variant is too frequent to cause the disease. Based on the score and internal cut-off values, a variant classified as benign is not then subjected to further curation. The score for this variant resulted in a classification of benign for this disease.

NM_001101362.3(KBTBD13):c.516C>G (p.Asp172Glu)

Gene: KBTBD13 (kelch repeat and BTB domain containing 13; plus strand). Cytogenetic location: 15q22.31.
Variant type: single nucleotide variant.
Coding change: c.516C>G on transcript NM_001101362.3 (MANE Select); coding-DNA position 516, C replaced by G.
Protein change: p.Asp172Glu; replaces aspartic acid 172 with glutamic acid.
Molecular consequence: missense variant.
Genome position (GRCh38, 1-based): chr15:65,077,331, C>G. VCF-style: chr15-65077331-C-G. GRCh37 (hg19) VCF-style: chr15-65369669-C-G.
Other names: short protein forms D172E.
Identifiers: ClinVar variation 316743 (VCV000316743.16), dbSNP rs142592180, ClinGen allele CA7613936.